The following is an entry in ClinVar:

ClinVar aggregate classification (germline): Uncertain significance (1 of 4 stars; one submission).

Allele frequency attached by ClinVar (database versions not stated): ExAC 0.00001; TOPMed 0.00001.
gnomAD v4.1: 8 of 1,614,036 alleles (0.0005%); highest among the groups gnomAD compares: Middle Eastern, 0.016%; no homozygotes.

Submission:

Women's Health and Genetics/Laboratory Corporation of America, LabCorp
Classification: Uncertain significance. Last evaluated: 2024-03-25. Review status: criteria provided, single submitter. Criteria: LabCorp Variant Classification Summary - May 2015. Collection method: clinical testing. Allele origin: germline.
Comment: Variant summary: COL17A1 c.4315C>A (p.Pro1439Thr) results in a non-conservative amino acid change in the encoded protein sequence. Four of five in-silico tools predict a damaging effect of the variant on protein function. The variant allele was found at a frequency of 8e-06 in 250992 control chromosomes. The available data on variant occurrences in the general population are insufficient to allow any conclusion about variant significance. To our knowledge, no occurrence of c.4315C>A in individuals affected with Junctional Epidermolysis Bullosa and no experimental evidence demonstrating its impact on protein function have been reported. No submitters have cited clinical-significance assessments for this variant to ClinVar. Based on the evidence outlined above, the variant was classified as uncertain significance.

NM_000494.4(COL17A1):c.4315C>A (p.Pro1439Thr)

Gene: COL17A1 (collagen type XVII alpha 1 chain; minus strand). Cytogenetic location: 10q25.1.
Variant type: single nucleotide variant.
Coding change: c.4315C>A on transcript NM_000494.4 (MANE Select); coding-DNA position 4315, C replaced by A.
Protein change: p.Pro1439Thr; replaces proline 1439 with threonine.
Molecular consequence: missense variant.
Genome position (GRCh38, 1-based): chr10:104,032,948, G>T on the plus strand (C>A on the coding strand, the complement: COL17A1 is on the minus strand). VCF-style: chr10-104032948-G-T. GRCh37 (hg19) VCF-style: chr10-105792706-G-T.
Other names: short protein forms P1439T.
Identifiers: ClinVar variation 3233786 (VCV003233786.2), dbSNP rs770139408, ClinGen allele CA5677629.